The following is an entry in ClinVar:

ClinVar aggregate classification (germline): Pathogenic. Review status: criteria provided, multiple submitters, no conflicts (2 of 4 stars). 4 submissions from 4 submitters: Pathogenic (4). Last evaluated 2025-05-09.

Conditions:
Familial adenomatous polyposis 1 (FAP1). Also called: FAMILIAL ADENOMATOUS POLYPOSIS 1, ATTENUATED; POLYPOSIS, ADENOMATOUS INTESTINAL. Identifiers: MedGen C2713442, MONDO:0021056, OMIM 175100. Disease mechanism: loss of function.
Hereditary cancer-predisposing syndrome. Also called: Tumor predisposition; Hereditary Cancer Syndrome; Hereditary neoplastic syndrome; Neoplastic Syndromes, Hereditary. Identifiers: Orphanet 140162, MedGen C0027672, MeSH D009386, MONDO:0015356.

Submissions (4):

Ambry Genetics
Classification: Pathogenic for Hereditary cancer-predisposing syndrome. Last evaluated: 2025-05-09. Review status: criteria provided, single submitter. Criteria: Ambry Variant Classification Scheme 2023. Collection method: clinical testing. Allele origin: germline.
Comment: The c.1742delA pathogenic mutation, located in coding exon 13 of the APC gene, results from a deletion of one nucleotide at nucleotide position 1742, causing a translational frameshift with a predicted alternate stop codon (p.K581Rfs*9). This variant was reported in individual(s) with features consistent with APC-related familial adenomatous polyposis (Friedl W et al. Hered Cancer Clin Pract, 2005 Sep;3:95-114). This variant is considered to be rare based on population cohorts in the Genome Aggregation Database (gnomAD). This alteration is expected to result in loss of function by premature protein truncation or nonsense-mediated mRNA decay. As such, this alteration is interpreted as a disease-causing mutation.

Myriad Genetics, Inc.
Classification: Pathogenic for Familial adenomatous polyposis 1. Last evaluated: 2023-05-02. Review status: criteria provided, single submitter. Criteria: Myriad Autosomal Dominant, Autosomal Recessive and X-Linked Classification Criteria (2023). Collection method: clinical testing. Allele origin: unknown.
Comment: This variant is considered pathogenic. This variant creates a frameshift predicted to result in premature protein truncation.

Foundation for Research in Genetics and Endocrinology, FRIGE's Institute of Human Genetics
Classification: Pathogenic for Familial adenomatous polyposis 1. Last evaluated: 2022-09-13. Review status: criteria provided, single submitter. Criteria: ACMG Guidelines, 2015. Collection method: clinical testing. Allele origin: germline. Inheritance: Autosomal dominant inheritance. Affected: yes. Observed: 1 heterozygote.
Comment: A heterozygous 1 base pair deletion in exon 14 of the APC gene that results in a frameshift and premature truncation of the protein 9 amino acids downstream to codon 581 was detected. The observed variant has not been reported in the 1000 genomes, gnomAD and our internal database. The in silico predictions of the variant is damaging by MutationTaster2. The reference base is conserved across species. In summary, the variant meets our criteria to be classified as a pathogenic.

Labcorp Genetics (formerly Invitae), Labcorp
Classification: Pathogenic for Familial adenomatous polyposis 1. Last evaluated: 2016-04-27. Review status: criteria provided, single submitter. Criteria: Invitae Variant Classification Sherloc (09022015). Collection method: clinical testing. Allele origin: germline.
Comment: For these reasons, this variant has been classified as Pathogenic. This sequence change deletes 1 nucleotide from exon 14 of the APC mRNA (c.1742delA), causing a frameshift at codon 581. This creates a premature translational stop signal (p.Lys581Argfs*9) and is expected to result in an absent or disrupted protein product. Truncating variants in APC are known to be pathogenic. This particular truncation has been reported in the literature in individuals affected with familial adenomatous polyposis (FAP) (PMID: 20223039, 20685668).

Literature cited by the submitters: PubMed 20223039 (cited by Ambry Genetics and Labcorp Genetics (formerly Invitae), Labcorp); PubMed 20685668 (cited by Labcorp Genetics (formerly Invitae), Labcorp).

NM_000038.6(APC):c.1742del (p.Lys581fs)

Gene: APC (APC regulator of Wnt signaling pathway; plus strand). Cytogenetic location: 5q22.2.
Variant type: Deletion.
Coding change: c.1742del on transcript NM_000038.6 (MANE Select); coding-DNA position 1742, one base deleted (A; older notation c.1742delA).
Protein change: p.Lys581fs; shifts the reading frame from lysine 581.
Molecular consequence: frameshift variant.
Genome position (GRCh38, 1-based): chr5:112,828,971, A deleted; the last of 5 consecutive A bases (chr5:112,828,967-112,828,971); deleting any one gives the same sequence. VCF-style (leftmost placement, unchanged base first): chr5-112828966-TA-T. GRCh37 (hg19) VCF-style: chr5-112164663-TA-T.
Other names: p.Lys581ArgfsTer9; c.1742del, p.Lys581fs (NM_001127510.3, NM_001354895.2); c.1688del, p.Lys563fs (NM_001127511.3); c.1796del, p.Lys599fs (NM_001354896.2); c.1772del, p.Lys591fs (NM_001354897.2); c.1667del, p.Lys556fs (NM_001354898.2); c.1658del, p.Lys553fs (NM_001354899.2); c.1619del, p.Lys540fs (NM_001354900.2); and 6 more; short protein forms K563fs, K581fs, K455fs, K556fs, K298fs, K421fs, K480fs, K522fs.
Identifiers: ClinVar variation 411339 (VCV000411339.15), dbSNP rs1060503259, ClinGen allele CA16611575.